The following is an entry in ClinVar:

ClinVar aggregate classification (germline): Uncertain significance (1 of 4 stars; one submission).

Conditions:
Spermatogenic failure 18. Identifiers: MedGen C4539783, MONDO:0054615, OMIM 617576.
Ciliary dyskinesia, primary, 37 (CILD37). Also called: CILIARY DYSKINESIA, PRIMARY, 37, WITH OR WITHOUT SITUS INVERSUS. Identifiers: MedGen C4539798, MONDO:0033204, OMIM 617577.

Allele frequency attached by ClinVar (database versions not stated): ExAC 0.00001; gnomAD 0.00001; gnomAD exomes 0.00001; TOPMed 0.00002.
gnomAD v4.1: 10 of 1,613,566 alleles (0.00062%); highest among the groups gnomAD compares: Admixed American, 0.01%; 1 homozygote.

Submission:

Labcorp Genetics (formerly Invitae), Labcorp
Classification: Uncertain significance for Ciliary dyskinesia, primary, 37; Spermatogenic failure 18. Last evaluated: 2022-05-07. Review status: criteria provided, single submitter. Criteria: Invitae Variant Classification Sherloc (09022015). Collection method: clinical testing. Allele origin: germline.
Comment: This sequence change replaces phenylalanine, which is neutral and non-polar, with valine, which is neutral and non-polar, at codon 1664 of the DNAH1 protein (p.Phe1664Val). This variant is present in population databases (rs779161859, gnomAD 0.009%). This variant has not been reported in the literature in individuals affected with DNAH1-related conditions. Algorithms developed to predict the effect of missense changes on protein structure and function are either unavailable or do not agree on the potential impact of this missense change (SIFT: "Deleterious"; PolyPhen-2: "Benign"; Align-GVGD: "Class C15"). In summary, the available evidence is currently insufficient to determine the role of this variant in disease. Therefore, it has been classified as a Variant of Uncertain Significance.

NM_015512.5(DNAH1):c.4990T>G (p.Phe1664Val)

Gene: DNAH1 (dynein axonemal heavy chain 1; plus strand). Cytogenetic location: 3p21.1.
Variant type: single nucleotide variant.
Coding change: c.4990T>G on transcript NM_015512.5 (MANE Select); coding-DNA position 4990, T replaced by G.
Protein change: p.Phe1664Val; replaces phenylalanine 1664 with valine.
Molecular consequence: missense variant.
Genome position (GRCh38, 1-based): chr3:52,362,397, T>G. VCF-style: chr3-52362397-T-G. GRCh37 (hg19) VCF-style: chr3-52396413-T-G.
Other names: short protein forms F1664V.
Identifiers: ClinVar variation 2062529 (VCV002062529.1), dbSNP rs779161859, ClinGen allele CA2434069.